The following is an entry in ClinVar:

NM_021830.5(TWNK):c.1916AGA[1] (p.Lys640del)

Gene: TWNK (twinkle mtDNA helicase; plus strand). Cytogenetic location: 10q24.31.
Variant type: Microsatellite.
Coding change: c.1916AGA[1] on transcript NM_021830.5 (MANE Select); one copy of the 3-base unit AGA starting at c.1916; the reference has two copies in a row; one copy, 3 bases deleted; also written c.1919_1921del.
Protein change: p.Lys640del; deletes lysine 640.
Molecular consequence: inframe deletion. On other transcripts: 3 prime UTR variant (2), non-coding transcript variant (5).
Genome position (GRCh38, 1-based): chr10:100,993,374-100,993,376, AGA deleted; deleting any 3 consecutive bases within chr10:100,993,370-100,993,376 gives the same sequence; the position shown is the placement nearest the transcript's 3' end. VCF-style (leftmost placement, unchanged base first): chr10-100993369-CAAG-C. GRCh37 (hg19) VCF-style: chr10-102753126-CAAG-C.
Other names: p.Lys640del; c.1919_1921del (NM_021830.5); c.*211AGA[1] (NM_001163812.2, NM_001163814.2); c.554AGA[1], p.Lys186del (NM_001163813.2, NM_001368275.1); short protein forms K186del, K640del.
Identifiers: ClinVar variation 2501979 (VCV002501979.6), dbSNP rs766667279, ClinGen allele CA5653367.
Genomic context (GRCh38, chr10:100,993,369, plus strand): 5'-GCTTGAGTTCAACAAGAACTCCCTCACCTTCTCCATTCCACCAAAGAACAAGGCCCGGCT[CAAG>C]AAGATCAAGGATGACACTGGACCAGTGGCCAAAAAGCCCTCTTCTGGCAAAAAGGGGGCT-3'

ClinVar aggregate classification (germline): Uncertain significance. Review status: criteria provided, multiple submitters, no conflicts (2 of 4 stars). 4 submissions from 4 submitters: Uncertain significance (4). Last evaluated 2026-01-24.

Submissions (4):

Labcorp Genetics (formerly Invitae), Labcorp
Classification: Uncertain significance. Last evaluated: 2026-01-24. Review status: criteria provided, single submitter. Criteria: Invitae Variant Classification Sherloc (09022015). Collection method: clinical testing. Allele origin: germline.
Comment: This variant, c.1919_1921del, results in the deletion of 1 amino acid(s) of the TWNK protein (p.Lys640del), but otherwise preserves the integrity of the reading frame. This variant is present in population databases (rs766667279, gnomAD 0.0009%). This variant has not been reported in the literature in individuals affected with TWNK-related conditions. ClinVar contains an entry for this variant (Variation ID: 2501979). Experimental studies and prediction algorithms are not available or were not evaluated, and the functional significance of this variant is currently unknown. In summary, the available evidence is currently insufficient to determine the role of this variant in disease. Therefore, it has been classified as a Variant of Uncertain Significance.

Mayo Clinic Laboratories, Mayo Clinic
Classification: Uncertain significance. Last evaluated: 2023-11-27. Review status: criteria provided, single submitter. Criteria: ACMG Guidelines, 2015. Collection method: clinical testing. Allele origin: germline. Observed: 1 variant allele.
Comment: PM4

Blueprint Genetics
Classification: Uncertain significance. Last evaluated: 2023-05-04. Review status: criteria provided, single submitter. Criteria: ACMG Guidelines, 2015. Collection method: clinical testing. Allele origin: germline.

GeneDx
Classification: Uncertain significance. Last evaluated: 2022-03-22. Review status: criteria provided, single submitter. Criteria: GeneDx Variant Classification Process June 2021. Collection method: clinical testing. Allele origin: germline. Affected: yes.
Comment: Not observed at significant frequency in large population cohorts (gnomAD); In-frame deletion of 1 amino acid in a non-repeat region; In silico analysis supports a deleterious effect on protein structure/function; Has not been previously published as pathogenic or benign to our knowledge